The following is an entry in ClinVar:

ClinVar aggregate classification (germline): Uncertain significance (1 of 4 stars; one submission).

Conditions:
Jeune thoracic dystrophy. Also called: Jeune syndrome; Infantile thoracic dystrophy; Thoracic pelvic phalangeal dystrophy; Jeune's syndrome; Chondroectodermal dysplasia-like syndrome; Short-rib thoracic dysplasia. Identifiers: Orphanet 474, MedGen C0265275, MONDO:0018770.

Allele frequency attached by ClinVar (database versions not stated): gnomAD exomes below 0.00001.
gnomAD v4.1: 2 of 1,612,240 alleles (0.00012%); highest among the groups gnomAD compares: Non-Finnish European, 0.00017%; no homozygotes.

Submission:

Labcorp Genetics (formerly Invitae), Labcorp
Classification: Uncertain significance for Jeune thoracic dystrophy. Last evaluated: 2021-12-10. Review status: criteria provided, single submitter. Criteria: Invitae Variant Classification Sherloc (09022015). Collection method: clinical testing. Allele origin: germline.
Comment: In summary, the available evidence is currently insufficient to determine the role of this variant in disease. Therefore, it has been classified as a Variant of Uncertain Significance. Algorithms developed to predict the effect of missense changes on protein structure and function are either unavailable or do not agree on the potential impact of this missense change (SIFT: "Deleterious"; PolyPhen-2: "Possibly Damaging"; Align-GVGD: "Class C0"). This variant has not been reported in the literature in individuals affected with IFT80-related conditions. This variant is not present in population databases (gnomAD no frequency). This sequence change replaces cysteine, which is neutral and slightly polar, with tyrosine, which is neutral and polar, at codon 31 of the IFT80 protein (p.Cys31Tyr).

NM_020800.3(IFT80):c.92G>A (p.Cys31Tyr)

Genes: IFT80 (intraflagellar transport 80; minus strand), TRIM59-IFT80 (TRIM59-IFT80 readthrough (NMD candidate); minus strand). Cytogenetic location: 3q25.33.
Variant type: single nucleotide variant.
Coding change: c.92G>A on transcript NM_020800.3 (MANE Select); coding-DNA position 92, G replaced by A.
Protein change: p.Cys31Tyr; replaces cysteine 31 with tyrosine.
Molecular consequence: missense variant. On other transcripts: non-coding transcript variant (2), 5 prime UTR variant (2).
Genome position (GRCh38, 1-based): chr3:160,381,670, C>T on the plus strand (G>A on the coding strand, the complement: IFT80 is on the minus strand). VCF-style: chr3-160381670-C-T. GRCh37 (hg19) VCF-style: chr3-160099458-C-T.
Other names: c.-320G>A (NM_001190241.2, NM_001190242.2); short protein forms C31Y.
Identifiers: ClinVar variation 1507424 (VCV001507424.6), dbSNP rs2108404468, ClinGen allele CA355195095.